The following is an entry in ClinVar:

NM_001457.4(FLNB):c.2417C>A (p.Thr806Lys)

Gene: FLNB (filamin B; plus strand). Cytogenetic location: 3p14.3.
Variant type: single nucleotide variant.
Coding change: c.2417C>A on transcript NM_001457.4 (MANE Select); coding-DNA position 2417, C replaced by A.
Protein change: p.Thr806Lys; replaces threonine 806 with lysine.
Molecular consequence: missense variant.
Genome position (GRCh38, 1-based): chr3:58,110,103, C>A. VCF-style: chr3-58110103-C-A. GRCh37 (hg19) VCF-style: chr3-58095830-C-A.
Other names: c.2417C>A, p.Thr806Lys (NM_001164317.2, NM_001164318.2, NM_001164319.2); short protein forms T806K.
Identifiers: ClinVar variation 931610 (VCV000931610.8), dbSNP rs940585956, ClinGen allele CA75435488.

ClinVar aggregate classification (germline): Uncertain significance. Review status: criteria provided, multiple submitters, no conflicts (2 of 4 stars). 3 submissions from 3 submitters: Uncertain significance (3). Last evaluated 2026-02-25.

Conditions:
Atelosteogenesis type III. Also called: Atelosteogenesis Type 3 (FLNB-AO3). Identifiers: Orphanet 56305, MedGen C3668942, MONDO:0007168, OMIM 108721.

gnomAD v4.1: 15 of 1,614,084 alleles (0.00093%); highest among the groups gnomAD compares: Admixed American, 0.0017%; no homozygotes.

Submissions (3):

Dasa
Classification: Uncertain significance. Last evaluated: 2026-02-25. Review status: criteria provided, single submitter. Criteria: DASA Assertion Criteria. Collection method: clinical testing. Allele origin: germline.
Comment: NM_001457.4(FLNB):c.2417C>A (p.Thr806Lys) is a missense variant that results in the substitution of threonine with lysine. This variant is rare in population databases. Computational prediction algorithms are consistent with a deleterious effect. The currently available literature and clinical evidence are not sufficient to establish a definitive association between this variant and the reported condition. Therefore, this variant is classified as a variant of uncertain significance.

Labcorp Genetics (formerly Invitae), Labcorp
Classification: Uncertain significance. Last evaluated: 2025-04-03. Review status: criteria provided, single submitter. Criteria: Invitae Variant Classification Sherloc (09022015). Collection method: clinical testing. Allele origin: germline.
Comment: This sequence change replaces threonine, which is neutral and polar, with lysine, which is basic and polar, at codon 806 of the FLNB protein (p.Thr806Lys). This variant is not present in population databases (gnomAD no frequency). This variant has not been reported in the literature in individuals affected with FLNB-related conditions. ClinVar contains an entry for this variant (Variation ID: 931610). Invitae Evidence Modeling of protein sequence and biophysical properties (such as structural, functional, and spatial information, amino acid conservation, physicochemical variation, residue mobility, and thermodynamic stability) indicates that this missense variant is not expected to disrupt FLNB protein function with a negative predictive value of 95%. In summary, the available evidence is currently insufficient to determine the role of this variant in disease. Therefore, it has been classified as a Variant of Uncertain Significance.

Centre for Mendelian Genomics, University Medical Centre Ljubljana
Classification: Uncertain significance for Atelosteogenesis type III. Last evaluated: 2019-10-02. Review status: criteria provided, single submitter. Criteria: ACMG Guidelines, 2015. Collection method: clinical testing. Allele origin: unknown. Affected: yes.
Comment: This variant was classified as: Uncertain significance. The available evidence on this variant's pathogenicity is insufficient or conflicting. The following ACMG criteria were applied in classifying this variant: PM2,PP3.